The following is an entry in ClinVar:

NM_000038.6(APC):c.43G>A (p.Ala15Thr)

Gene: APC (APC regulator of Wnt signaling pathway; plus strand). Cytogenetic location: 5q22.2.
Variant type: single nucleotide variant.
Coding change: c.43G>A on transcript NM_000038.6 (MANE Select); coding-DNA position 43, G replaced by A.
Protein change: p.Ala15Thr; replaces alanine 15 with threonine.
Molecular consequence: missense variant. On other transcripts: 5 prime UTR variant (4), non-coding transcript variant (2), intron variant (11).
Genome position (GRCh38, 1-based): chr5:112,754,933, G>A. VCF-style: chr5-112754933-G-A. GRCh37 (hg19) VCF-style: chr5-112090630-G-A.
Other names: c.43G>A, p.Ala15Thr (NM_001407454.1, NM_001407455.1, NM_001407456.1 and 16 more transcripts); c.-993G>A (NM_001407470.1, NM_001407471.1, NM_001407472.1 and 1 more transcripts); c.166-11393G>A (NM_001407446.1, NM_001354897.2, NM_001354902.2 and 1 more transcripts); c.-42-11393G>A (NM_001407453.1, NM_001354900.2, NM_001354901.2 and 1 more transcripts); c.61-11393G>A (NM_001407451.1, NM_001354898.2, NM_001354904.2); short protein forms A15T.
Identifiers: ClinVar variation 3670596 (VCV003670596.2).

ClinVar aggregate classification (germline): Uncertain significance (1 of 4 stars; one submission).

Conditions:
Familial adenomatous polyposis 1 (FAP1). Also called: FAMILIAL ADENOMATOUS POLYPOSIS 1, ATTENUATED; POLYPOSIS, ADENOMATOUS INTESTINAL. Identifiers: MedGen C2713442, MONDO:0021056, OMIM 175100. Disease mechanism: loss of function.

Submission:

Labcorp Genetics (formerly Invitae), Labcorp
Classification: Uncertain significance for Familial adenomatous polyposis 1. Last evaluated: 2025-06-09. Review status: criteria provided, single submitter. Criteria: Invitae Variant Classification Sherloc (09022015). Collection method: clinical testing. Allele origin: germline.
Comment: This sequence change replaces alanine, which is neutral and non-polar, with threonine, which is neutral and polar, at codon 15 of the APC protein (p.Ala15Thr). This variant is not present in population databases (gnomAD no frequency). This variant has not been reported in the literature in individuals affected with APC-related conditions. ClinVar contains an entry for this variant (Variation ID: 3670596). Invitae Evidence Modeling of protein sequence and biophysical properties (such as structural, functional, and spatial information, amino acid conservation, physicochemical variation, residue mobility, and thermodynamic stability) indicates that this missense variant is not expected to disrupt APC protein function with a negative predictive value of 95%. In summary, the available evidence is currently insufficient to determine the role of this variant in disease. Therefore, it has been classified as a Variant of Uncertain Significance.